The following is an entry in ClinVar:

NM_001360016.2(G6PD):c.-9+9C>A

Genes: G6PD (glucose-6-phosphate dehydrogenase; minus strand), IKBKG (inhibitor of nuclear factor kappa B kinase regulatory subunit gamma; plus strand), LOC107181288 (origin of replication in promoter of G6PD; plus strand), LOC129929052 (ATAC-STARR-seq lymphoblastoid silent region 21114; plus strand). Cytogenetic location: Xq28.
Variant type: single nucleotide variant.
Coding change: c.-9+9C>A on transcript NM_001360016.2 (MANE Select); 9 bases into the intron after 9 bases upstream of the start codon, C replaced by A.
Molecular consequence: intron variant.
Genome position (GRCh38, 1-based): chrX:154,546,780, G>T on the plus strand (C>A on the coding strand, the complement: G6PD is on the minus strand). VCF-style: chrX-154546780-G-T. GRCh37 (hg19) VCF-style: chrX-153774995-G-T.
Other names: c.82+9C>A (NM_000402.4); c.-8-617C>A (NM_001042351.3); c.-15-5208G>T (NM_001377312.1, NM_001377313.1); c.189+4328G>T (NM_001099856.6); c.-16+4393G>T (NM_001321396.3).
Identifiers: ClinVar variation 3036272 (VCV003036272.3), dbSNP rs782395004, ClinGen allele CA10566394.

ClinVar aggregate classification (germline): Likely benign. Review status: criteria provided, single submitter (1 of 4 stars). 2 submissions from 2 submitters: Likely benign (1). 1 of the submissions does not count toward it. Last evaluated 2022-08-09.

Conditions:
G6PD-related disorder. Also called: G6PD-related condition.

Allele frequency attached by ClinVar (database versions not stated): gnomAD 0.00006; ExAC 0.00014.
gnomAD v4.1: 60 of 1,154,578 alleles (0.0052%); highest among the groups gnomAD compares: Non-Finnish European, 0.006%; no homozygotes.

Submissions (2):

Blueprint Genetics
Classification: Likely benign. Last evaluated: 2022-08-09. Review status: criteria provided, single submitter. Criteria: ACMG Guidelines, 2015. Collection method: clinical testing. Allele origin: germline.

PreventionGenetics, part of Exact Sciences
Classification: Likely benign for G6PD-related condition. Last evaluated: 2023-10-06. Review status: no assertion criteria provided. Collection method: clinical testing. Allele origin: germline. Not counted in ClinVar's aggregate classification.
Comment: This variant is classified as likely benign based on ACMG/AMP sequence variant interpretation guidelines (Richards et al. 2015 PMID: 25741868, with internal and published modifications).